The following is an entry in ClinVar:

NM_001113378.2(FANCI):c.1355C>T (p.Ala452Val)

Gene: FANCI (FA complementation group I; plus strand). Cytogenetic location: 15q26.1.
Variant type: single nucleotide variant.
Coding change: c.1355C>T on transcript NM_001113378.2 (MANE Select); coding-DNA position 1355, C replaced by T.
Protein change: p.Ala452Val; replaces alanine 452 with valine.
Molecular consequence: missense variant.
Genome position (GRCh38, 1-based): chr15:89,278,748, C>T. VCF-style: chr15-89278748-C-T. GRCh37 (hg19) VCF-style: chr15-89821979-C-T.
Other names: c.1076C>T, p.Ala359Val (NM_001376910.1); c.1355C>T, p.Ala452Val (NM_001376911.1, NM_018193.3); short protein forms A452V, A359V.
Identifiers: ClinVar variation 424190 (VCV000424190.2), dbSNP rs1064796848, ClinGen allele CA16620016.

ClinVar aggregate classification (germline): Uncertain significance (1 of 4 stars; one submission).

Allele frequency attached by ClinVar (database versions not stated): TOPMed below 0.00001.

Submission:

GeneDx
Classification: Uncertain significance. Last evaluated: 2017-03-15. Review status: criteria provided, single submitter. Criteria: GeneDx Variant Classification (06012015). Collection method: clinical testing. Allele origin: germline. Affected: yes.
Comment: The A452V variant in the FANCI gene has not been reported previously as a pathogenic variant, nor as a benign variant, to our knowledge. The A452V variant is not observed in large population cohorts (Lek et al., 2016; 1000 Genomes Consortium et al., 2015; Exome Variant Server). The A452V variant is a conservative amino acid substitution, which is not likely to impact secondary protein structure as these residues share similar properties. This substitution occurs at a position that is not conserved. In silico analysis is inconsistent in its predictions as to whether or not the variant is damaging to the protein structure/function. We interpret A452V as a variant of uncertain significance.